The following is an entry in ClinVar:

ClinVar aggregate classification (germline): Uncertain significance (1 of 4 stars; one submission).

Conditions:
Immunodeficiency 51 (IMD51). Also called: CANDIDIASIS, FAMILIAL, 5. Identifiers: Orphanet 1334, MedGen C4310803, MONDO:0013500, OMIM 613953.

Allele frequency attached by ClinVar (database versions not stated): gnomAD exomes below 0.00001 and 0.00001; TOPMed below 0.00001; ExAC 0.00001; gnomAD 0.00001.
gnomAD v4.1: 16 of 1,614,056 alleles (0.00099%); highest among the groups gnomAD compares: Non-Finnish European, 0.0014%; no homozygotes.

Submission:

Labcorp Genetics (formerly Invitae), Labcorp
Classification: Uncertain significance for Immunodeficiency 51. Last evaluated: 2020-04-06. Review status: criteria provided, single submitter. Criteria: Invitae Variant Classification Sherloc (09022015). Collection method: clinical testing. Allele origin: germline.
Comment: This sequence change replaces threonine with alanine at codon 56 of the IL17RA protein (p.Thr56Ala). The threonine residue is moderately conserved and there is a small physicochemical difference between threonine and alanine. This variant is present in population databases (rs756664595, ExAC 0.001%). This variant has not been reported in the literature in individuals with IL17RA-related disease. Algorithms developed to predict the effect of missense changes on protein structure and function are either unavailable or do not agree on the potential impact of this missense change (SIFT: "Deleterious"; PolyPhen-2: "Benign"; Align-GVGD: "Class C0"). In summary, the available evidence is currently insufficient to determine the role of this variant in disease. Therefore, it has been classified as a Variant of Uncertain Significance.

NM_014339.7(IL17RA):c.166A>G (p.Thr56Ala)

Gene: IL17RA (interleukin 17 receptor A; plus strand). Cytogenetic location: 22q11.1.
Variant type: single nucleotide variant.
Coding change: c.166A>G on transcript NM_014339.7 (MANE Select); coding-DNA position 166, A replaced by G.
Protein change: p.Thr56Ala; replaces threonine 56 with alanine.
Molecular consequence: missense variant.
Genome position (GRCh38, 1-based): chr22:17,097,799, A>G. VCF-style: chr22-17097799-A-G. GRCh37 (hg19) VCF-style: chr22-17578689-A-G.
Other names: c.166A>G, p.Thr56Ala (NM_001289905.2); short protein forms T56A.
Identifiers: ClinVar variation 650832 (VCV000650832.7), dbSNP rs756664595, ClinGen allele CA10086256.